The following is an entry in ClinVar:

ClinVar aggregate classification (germline): Likely pathogenic (1 of 4 stars; one submission).

Submission:

Laboratorio de Genetica e Diagnostico Molecular, Hospital Israelita Albert Einstein
Classification: Likely pathogenic. Last evaluated: 2022-03-08. Review status: criteria provided, single submitter. Criteria: ACMG Guidelines, 2015. Collection method: clinical testing. Allele origin: germline. Affected: yes.
Comment: ACMG classification criteria: PVS1, PM2

NM_057175.5(NAA15):c.1410+1del

Gene: NAA15 (N-alpha-acetyltransferase 15, NatA auxiliary subunit; plus strand). Cytogenetic location: 4q31.1.
Variant type: Deletion.
Coding change: c.1410+1del on transcript NM_057175.5 (MANE Select); the canonical splice donor site of the intron after coding-DNA position 1410, one base deleted (G; older notation c.1410+1delG).
Molecular consequence: splice donor variant.
Genome position (GRCh38, 1-based): chr4:139,359,896, G deleted; the last of 3 consecutive G bases (chr4:139,359,894-139,359,896); deleting any one gives the same sequence. VCF-style (leftmost placement, unchanged base first): chr4-139359893-AG-A. GRCh37 (hg19) VCF-style: chr4-140281047-AG-A.
Other names: c.1410del (NM_057175.5); c.1410+1del (NM_001410842.1).
Identifiers: ClinVar variation 1690578 (VCV001690578.2), dbSNP rs2110955293, ClinGen allele CA2573138062.
Genomic context (GRCh38, chr4:139,359,893, plus strand): 5'-AAATACATGCTAAAAGCCAACCTGATTAAAGAAGCTGAAGAAATGTGCTCAAAGTTTACA[AG>A]GGTTTGTACAGCTAGTGTTCTTAATTATGAATAAAGAAGACATGAGCCAGTTCATACTTG-3'